The following is an entry in ClinVar:

ClinVar aggregate classification (germline): Uncertain significance (1 of 4 stars; one submission).

Allele frequency attached by ClinVar (database versions not stated): ExAC 0.00001.

Submission:

Labcorp Genetics (formerly Invitae), Labcorp
Classification: Uncertain significance. Last evaluated: 2022-02-20. Review status: criteria provided, single submitter. Criteria: Invitae Variant Classification Sherloc (09022015). Collection method: clinical testing. Allele origin: germline.
Comment: Advanced modeling of protein sequence and biophysical properties (such as structural, functional, and spatial information, amino acid conservation, physicochemical variation, residue mobility, and thermodynamic stability) performed at Invitae indicates that this missense variant is not expected to disrupt CLCNKB protein function. This variant has not been reported in the literature in individuals affected with CLCNKB-related conditions. Algorithms developed to predict the effect of sequence changes on RNA splicing suggest that this variant may create or strengthen a splice site. This variant is present in population databases (rs749495680, gnomAD 0.006%). In summary, the available evidence is currently insufficient to determine the role of this variant in disease. Therefore, it has been classified as a Variant of Uncertain Significance. This sequence change replaces arginine, which is basic and polar, with glutamine, which is neutral and polar, at codon 661 of the CLCNKB protein (p.Arg661Gln).

NM_000085.5(CLCNKB):c.1982G>A (p.Arg661Gln)

Genes: CLCNKB (chloride voltage-gated channel Kb; plus strand), LOC106501713 (CLCNKB recombination region; plus strand). Cytogenetic location: 1p36.13.
Variant type: single nucleotide variant.
Coding change: c.1982G>A on transcript NM_000085.5 (MANE Select); coding-DNA position 1982, G replaced by A.
Protein change: p.Arg661Gln; replaces arginine 661 with glutamine.
Molecular consequence: missense variant.
Genome position (GRCh38, 1-based): chr1:16,056,474, G>A. VCF-style: chr1-16056474-G-A. GRCh37 (hg19) VCF-style: chr1-16382969-G-A.
Other names: c.1472G>A, p.Arg491Gln (NM_001165945.2); short protein forms R491Q, R661Q.
Identifiers: ClinVar variation 1922645 (VCV001922645.5), dbSNP rs749495680, ClinGen allele CA624120.